The following is an entry in ClinVar:

NM_014915.3(ANKRD26):c.2147G>T (p.Gly716Val)

Gene: ANKRD26 (ankyrin repeat domain 26; minus strand). Cytogenetic location: 10p12.1.
Variant type: single nucleotide variant.
Coding change: c.2147G>T on transcript NM_014915.3 (MANE Select); coding-DNA position 2147, G replaced by T.
Protein change: p.Gly716Val; replaces glycine 716 with valine.
Molecular consequence: missense variant.
Genome position (GRCh38, 1-based): chr10:27,043,440, C>A on the plus strand (G>T on the coding strand, the complement: ANKRD26 is on the minus strand). VCF-style: chr10-27043440-C-A. GRCh37 (hg19) VCF-style: chr10-27332369-C-A.
Other names: c.2144G>T, p.Gly715Val (NM_001256053.2); short protein forms G716V, G715V.
Identifiers: ClinVar variation 4578615 (VCV004578615.1).
Genomic context (GRCh38, chr10:27,043,440, plus strand): 5'-ACAATGGGATACATAAAAAGGCCTTAAATTTATGCAATGGTCCTACCTTTACACTCCATT[C>A]CAAGTTGTTCAATGAGCAACATAAAATTCTTGTAACTAGAGTGGGGTAGCTCACAATCCT-3'
Protein context (NP_055730.2, residues 706-726): KNFMLLIEQL[Gly716Val]MECKDSVSLL

ClinVar aggregate classification (germline): Uncertain significance (1 of 4 stars; one submission).

Conditions:
Inborn genetic diseases. Identifiers: MedGen C0950123, MeSH D030342.

gnomAD v4.1: 2 of 1,613,966 alleles (0.00012%); highest among the groups gnomAD compares: African/African-American, 0.0027%; no homozygotes.

Submission:

Ambry Genetics
Classification: Uncertain significance for Inborn genetic diseases. Last evaluated: 2025-10-10. Review status: criteria provided, single submitter. Criteria: Ambry Variant Classification Scheme 2023. Collection method: clinical testing. Allele origin: germline.
Comment: The p.G716V variant (also known as c.2147G>T), located in coding exon 20 of the ANKRD26 gene, results from a G to T substitution at nucleotide position 2147. The glycine at codon 716 is replaced by valine, an amino acid with dissimilar properties. This amino acid position is conserved. In addition, this alteration is predicted to be tolerated by in silico analysis. Based on the available evidence, the clinical significance of this variant remains unclear.